The following is an entry in ClinVar:

NM_000487.6(ARSA):c.868C>T (p.Arg290Cys)

Gene: ARSA (arylsulfatase A; minus strand). Cytogenetic location: 22q13.33.
Variant type: single nucleotide variant.
Coding change: c.868C>T on transcript NM_000487.6 (MANE Select); coding-DNA position 868, C replaced by T.
Protein change: p.Arg290Cys; replaces arginine 290 with cysteine.
Molecular consequence: missense variant.
Genome position (GRCh38, 1-based): chr22:50,626,265, G>A on the plus strand (C>T on the coding strand, the complement: ARSA is on the minus strand). VCF-style: chr22-50626265-G-A. GRCh37 (hg19) VCF-style: chr22-51064693-G-A.
Other names: R288C; c.868C>T, p.Arg290Cys (NM_001085425.3, NM_001085426.3, NM_001085427.3); c.610C>T, p.Arg204Cys (NM_001085428.3, NM_001362782.2); short protein forms R290C, R204C.
Identifiers: ClinVar variation 3077 (VCV000003077.20), dbSNP rs74315473, ClinGen allele CA278036.

ClinVar aggregate classification (germline): Pathogenic. Review status: criteria provided, multiple submitters, no conflicts (2 of 4 stars). 7 submissions from 7 submitters: Pathogenic (5). 2 of the submissions do not count toward it. Last evaluated 2025-11-25.

Conditions:
Spastic ataxia. Identifiers: Orphanet 316226, MedGen C1849156, MONDO:0017845, HP:0002497.
Metachromatic leukodystrophy (MLD). Also called: ARSA DEFICIENCY; CEREBROSIDE SULFATASE DEFICIENCY; SULFATIDE LIPIDOSIS; Arylsulfatase A Deficiency; Cerebral sclerosis diffuse metachromatic form; METACHROMATIC LEUKOENCEPHALOPATHY. Identifiers: Orphanet 512, MedGen C0023522, MONDO:0018868, OMIM 250100.

Allele frequency attached by ClinVar (database versions not stated): gnomAD exomes 0.00001; ExAC 0.00001; gnomAD 0.00001.

Submissions (9):

Labcorp Genetics (formerly Invitae), Labcorp
Classification: Pathogenic for Metachromatic leukodystrophy. Last evaluated: 2025-11-25. Review status: criteria provided, single submitter. Criteria: Invitae Variant Classification Sherloc (09022015). Collection method: clinical testing. Allele origin: germline.
Comment: This sequence change replaces arginine, which is basic and polar, with cysteine, which is neutral and slightly polar, at codon 290 of the ARSA protein (p.Arg290Cys). The frequency data for this variant in the population databases is considered unreliable, as metrics indicate poor data quality at this position in the gnomAD database. This missense change has been observed in individual(s) with clinical features of ARSA-related conditions (PMID: 7866401, 16678723, 17560502, 19815439, 26462614). In at least one individual the data is consistent with being in trans (on the opposite chromosome) from a pathogenic variant. This variant is also known as p.Arg288Cys. ClinVar contains an entry for this variant (Variation ID: 3077). Invitae Evidence Modeling of protein sequence and biophysical properties (such as structural, functional, and spatial information, amino acid conservation, physicochemical variation, residue mobility, and thermodynamic stability) indicates that this missense variant is expected to disrupt ARSA protein function with a positive predictive value of 95%. This variant disrupts the p.Arg290 amino acid residue in ARSA. Other variant(s) that disrupt this residue have been observed in individuals with ARSA-related conditions (PMID: 10477432, 12809637, 16678723, 24001781, 26462614), which suggests that this may be a clinically significant amino acid residue. For these reasons, this variant has been classified as Pathogenic.

Natera, Inc.
Classification: Pathogenic for Metachromatic leukodystrophy. Last evaluated: 2025-10-23. Review status: criteria provided, single submitter. Criteria: Natera Variant Classification Schema (03/2026). Collection method: clinical testing. Allele origin: germline.
Comment: The c.868C>T variant in ARSA is a missense variant predicted to cause substitution of arginine to cysteine at amino acid 290. This variant is rare in the general population with a frequency below the threshold expected for the associated phenotype(s). This variant has been observed in one or more individuals affected with the associated recessive disease, as either homozygous or compound heterozygous with a second variant (PMID: 17560502, 16678723). Computational prediction algorithms indicate this variant is likely to affect gene or protein function. Given the available evidence, this variant is classified as Pathogenic.

GeneDx
Classification: Pathogenic. Last evaluated: 2024-06-26. Review status: criteria provided, single submitter. Criteria: GeneDx Variant Classification Process June 2021. Collection method: clinical testing. Allele origin: germline. Affected: yes.
Comment: Published functional studies found this variant is associated with significantly reduced enzyme activity (PMID: 37480112); Not observed at significant frequency in large population cohorts (gnomAD); In silico analysis supports that this missense variant has a deleterious effect on protein structure/function; Also known as p.R288C; This variant is associated with the following publications: (PMID: 26462614, 7866401, 12809637, 24001781, 10477432, 34445196, 37480112, 19815439, 20339381, 16678723, 33855715, 17560502)

Fulgent Genetics
Classification: Pathogenic for Metachromatic leukodystrophy. Last evaluated: 2022-03-15. Review status: criteria provided, single submitter. Criteria: ACMG Guidelines, 2015. Collection method: clinical testing. Allele origin: unknown.

Molecular Medicine for Neurodegenerative and Neuromuscular Diseases Unit, IRCCS Fondazione Stella Maris
Classification: Pathogenic for Spastic ataxia. Last evaluated: 2021-07-12. Review status: criteria provided, single submitter. Criteria: ACMG Guidelines, 2015. Collection method: research. Allele origin: unknown. Affected: yes.

OMIM
Classification: Pathogenic for METACHROMATIC LEUKODYSTROPHY. Last evaluated: 2018-11-07. Review status: no assertion criteria provided. Collection method: literature only. Allele origin: germline. Not counted in ClinVar's aggregate classification.

Counsyl
Classification: Likely pathogenic for Metachromatic leukodystrophy. Last evaluated: 2015-12-15. Review status: no assertion criteria provided. Collection method: clinical testing. Allele origin: unknown. Not counted in ClinVar's aggregate classification.

Dr. Peter K. Rogan Lab, Western University
No classification provided (evidence only). Condition: Squamous cell carcinoma of the head and neck. Review status: no classification provided. Collection method: in vitro. Allele origin: not applicable. Functional consequence: retained intron. Not counted in ClinVar's aggregate classification.

Gelb Laboratory, University of Washington
No classification provided (evidence only). Condition: Metachromatic leukodystrophy. Review status: no classification provided. Collection method: in vitro. Allele origin: not applicable. Functional consequence: loss of function. Not counted in ClinVar's aggregate classification.

Literature cited by the submitters: PubMed 7866401 (cited by Labcorp Genetics (formerly Invitae), Labcorp); PubMed 16678723 (cited by 3 submitters); PubMed 17560502 (cited by 3 submitters); PubMed 19815439 (cited by Labcorp Genetics (formerly Invitae), Labcorp and Counsyl); PubMed 26462614 (cited by Labcorp Genetics (formerly Invitae), Labcorp and Counsyl); PubMed 10477432 (cited by Labcorp Genetics (formerly Invitae), Labcorp); PubMed 12809637 (cited by Labcorp Genetics (formerly Invitae), Labcorp); PubMed 24001781 (cited by Labcorp Genetics (formerly Invitae), Labcorp); PubMed 1671769 (cited by OMIM); PubMed 20339381 (cited by Counsyl).